The following is an entry in ClinVar:

NM_001195263.2(PDZD7):c.680G>T (p.Arg227Leu)

Gene: PDZD7 (PDZ domain containing 7; minus strand). Cytogenetic location: 10q24.31.
Variant type: single nucleotide variant.
Coding change: c.680G>T on transcript NM_001195263.2 (MANE Select); coding-DNA position 680, G replaced by T.
Protein change: p.Arg227Leu; replaces arginine 227 with leucine.
Molecular consequence: missense variant.
Genome position (GRCh38, 1-based): chr10:101,022,248, C>A on the plus strand (G>T on the coding strand, the complement: PDZD7 is on the minus strand). VCF-style: chr10-101022248-C-A. GRCh37 (hg19) VCF-style: chr10-102782005-C-A.
Other names: c.680G>T, p.Arg227Leu (NM_001351044.2, NM_024895.5); short protein forms R227L.
Identifiers: ClinVar variation 3012224 (VCV003012224.3), dbSNP rs200730376, ClinGen allele CA5654300.
Genomic context (GRCh38, chr10:101,022,248, plus strand): 5'-ACTTCCTGCCTCAGCCCTCACTTGGACACATAGATGCCCAGGCCAAACTCCTTGCCCCCA[C>A]GGATGTTGAAGCCCAGGCAGAAGTCGTCGGAGGTTGTGTATAGGTGGACGATGCGCCGGA-3'
Protein context (NP_001182192.1, residues 217-237): SDDFCLGFNI[Arg227Leu]GGKEFGLGIY

ClinVar aggregate classification (germline): Uncertain significance (1 of 4 stars; one submission).

Allele frequency attached by ClinVar (database versions not stated): ExAC 0.00001.

Submission:

Labcorp Genetics (formerly Invitae), Labcorp
Classification: Uncertain significance. Last evaluated: 2023-06-19. Review status: criteria provided, single submitter. Criteria: Invitae Variant Classification Sherloc (09022015). Collection method: clinical testing. Allele origin: germline.
Comment: This sequence change replaces arginine, which is basic and polar, with leucine, which is neutral and non-polar, at codon 227 of the PDZD7 protein (p.Arg227Leu). In summary, the available evidence is currently insufficient to determine the role of this variant in disease. Therefore, it has been classified as a Variant of Uncertain Significance. Advanced modeling of protein sequence and biophysical properties (such as structural, functional, and spatial information, amino acid conservation, physicochemical variation, residue mobility, and thermodynamic stability) has been performed at Invitae for this missense variant, however the output from this modeling did not meet the statistical confidence thresholds required to predict the impact of this variant on PDZD7 protein function. This variant has not been reported in the literature in individuals affected with PDZD7-related conditions. This variant is present in population databases (rs200730376, gnomAD 0.004%).